The following is an entry in ClinVar:

NM_006268.5(DPF2):c.1067G>C (p.Cys356Ser)

Gene: DPF2 (double PHD fingers 2; plus strand). Cytogenetic location: 11q13.1.
Variant type: single nucleotide variant.
Coding change: c.1067G>C on transcript NM_006268.5 (MANE Select); coding-DNA position 1067, G replaced by C.
Protein change: p.Cys356Ser; replaces cysteine 356 with serine.
Molecular consequence: missense variant.
Genome position (GRCh38, 1-based): chr11:65,348,899, G>C. VCF-style: chr11-65348899-G-C. GRCh37 (hg19) VCF-style: chr11-65116370-G-C.
Other names: c.1109G>C, p.Cys370Ser (NM_001330308.2); short protein forms C356S, C370S.
Identifiers: ClinVar variation 1805984 (VCV001805984.1), dbSNP rs2495413705, ClinGen allele CA381232546.

ClinVar aggregate classification (germline): Likely pathogenic (1 of 4 stars; one submission).

Conditions:
Coffin-Siris syndrome 7. Identifiers: MedGen C4747954, MONDO:0054831, OMIM 618027.

Submission:

Victorian Clinical Genetics Services, Murdoch Childrens Research Institute
Classification: Likely pathogenic for Coffin-Siris syndrome 7. Last evaluated: 2022-09-02. Review status: criteria provided, single submitter. Criteria: ACMG Guidelines, 2015. Collection method: clinical testing. Allele origin: germline. Inheritance: Autosomal dominant inheritance. Affected: yes.
Comment: Based on the classification scheme VCGS_Germline_v1.3.4, this variant is classified as Likely pathogenic. Following criteria are met: 0104 - Dominant negative is the likely mechanism of disease in this gene (PMID: 29429572) and is associated with Coffin-Siris syndrome 7 (MIM#618027). (I) 0107 - This gene is associated with autosomal dominant disease. (I) 0200 - Variant is predicted to result in a missense amino acid change from cysteine to serine. (I) 0251 - This variant is heterozygous. (I) 0301 - Variant is absent from gnomAD (both v2 and v3). (SP) 0501 - Missense variant consistently predicted to be damaging by multiple in silico tools or highly conserved with a major amino acid change. (SP) 0601 - Variant is located in the well-established functional PHD2 zinc finger domain (PMID: 29429672, 31207137) in a high missense constraint region (DECIPHER). (SP) 0704 - Another missense variant comparable to the one identified has limited previous evidence for pathogenicity. PMID 31207137 report the heterozygous variant c.1066T>G; p.(Cys356Gly) as de novo in a child with Coffin-Siris syndrome. (SP) 0807 - This variant has no previous evidence of pathogenicity. (I) 0905 - No published segregation evidence has been identified for this variant. (I) 1007 - No published functional evidence has been identified for this variant. (I) 1102 - Strong phenotype match for this individual. (SP) 1208 - Inheritance information for this variant is not currently available in this individual. (I) Legend: (SP) - Supporting pathogenic, (I) - Information, (SB) - Supporting benign

Literature cited by the submitters: PubMed 29429572; PubMed 31207137; PubMed 29429672.